The following is an entry in ClinVar:

ClinVar aggregate classification (germline): Uncertain significance (1 of 4 stars; one submission).

Allele frequency attached by ClinVar (database versions not stated): TOPMed below 0.00001; gnomAD 0.00001.
gnomAD v4.1: 1 of 1,612,726 alleles (0.000062%); highest among the groups gnomAD compares: Non-Finnish European, 0.000085%; no homozygotes.

Submission:

GeneDx
Classification: Uncertain significance. Last evaluated: 2021-02-17. Review status: criteria provided, single submitter. Criteria: GeneDx Variant Classification Process June 2021. Collection method: clinical testing. Allele origin: germline. Affected: yes.
Comment: Not observed in large population cohorts (Lek et al., 2016); In silico analysis supports that this missense variant does not alter protein structure/function; Has not been previously published as pathogenic or benign to our knowledge

NM_015335.5(MED13L):c.3134G>A (p.Arg1045His)

Gene: MED13L (mediator complex subunit 13L; minus strand). Cytogenetic location: 12q24.21.
Variant type: single nucleotide variant.
Coding change: c.3134G>A on transcript NM_015335.5 (MANE Select); coding-DNA position 3134, G replaced by A.
Protein change: p.Arg1045His; replaces arginine 1045 with histidine.
Molecular consequence: missense variant.
Genome position (GRCh38, 1-based): chr12:115,991,820, C>T on the plus strand (G>A on the coding strand, the complement: MED13L is on the minus strand). VCF-style: chr12-115991820-C-T. GRCh37 (hg19) VCF-style: chr12-116429625-C-T.
Other names: short protein forms R1045H.
Identifiers: ClinVar variation 1304368 (VCV001304368.2), dbSNP rs1165240255, ClinGen allele CA386888901.